The following is an entry in ClinVar:

NM_001430.5(EPAS1):c.1981T>C (p.Phe661Leu)

Gene: EPAS1 (endothelial PAS domain protein 1; plus strand). Cytogenetic location: 2p21.
Variant type: single nucleotide variant.
Coding change: c.1981T>C on transcript NM_001430.5 (MANE Select); coding-DNA position 1981, T replaced by C.
Protein change: p.Phe661Leu; replaces phenylalanine 661 with leucine.
Molecular consequence: missense variant.
Genome position (GRCh38, 1-based): chr2:46,380,653, T>C. VCF-style: chr2-46380653-T-C. GRCh37 (hg19) VCF-style: chr2-46607792-T-C.
Other names: short protein forms F661L.
Identifiers: ClinVar variation 1783823 (VCV001783823.2), dbSNP rs2103673767, ClinGen allele CA346705281.

ClinVar aggregate classification (germline): Uncertain significance (1 of 4 stars; one submission).

Conditions:
Inborn genetic diseases. Identifiers: MedGen C0950123, MeSH D030342.

Submission:

Ambry Genetics
Classification: Uncertain significance for Inborn genetic diseases. Last evaluated: 2022-05-14. Review status: criteria provided, single submitter. Criteria: Ambry Variant Classification Scheme 2023. Collection method: clinical testing. Allele origin: germline.
Comment: The p.F661L variant (also known as c.1981T>C), located in coding exon 12 of the EPAS1 gene, results from a T to C substitution at nucleotide position 1981. The phenylalanine at codon 661 is replaced by leucine, an amino acid with highly similar properties. This amino acid position is conserved. In addition, this alteration is predicted to be tolerated by in silico analysis. Since supporting evidence is limited at this time, the clinical significance of this alteration remains unclear.